The following is an entry in ClinVar:

NM_001369369.1(FOXN1):c.492C>T (p.Asp164=)

Gene: FOXN1 (forkhead box N1; plus strand). Cytogenetic location: 17q11.2.
Variant type: single nucleotide variant.
Coding change: c.492C>T on transcript NM_001369369.1 (MANE Select); coding-DNA position 492, C replaced by T.
Protein change: p.Asp164=; no amino-acid change (aspartic acid 164 retained).
Molecular consequence: synonymous variant.
Genome position (GRCh38, 1-based): chr17:28,524,871, C>T. VCF-style: chr17-28524871-C-T. GRCh37 (hg19) VCF-style: chr17-26851889-C-T.
Other names: c.492C>T, p.Asp164= (NM_003593.3); c.492C>T (NM_003593.2).
Identifiers: ClinVar variation 1093038 (VCV001093038.10), dbSNP rs139818870, ClinGen allele CA8459240.

ClinVar aggregate classification (germline): Likely benign. Review status: criteria provided, multiple submitters, no conflicts (2 of 4 stars). 3 submissions from 3 submitters: Likely benign (2). 1 of the submissions does not count toward it. Last evaluated 2025-11-24.

Conditions:
FOXN1-related disorder. Also called: FOXN1-related condition.
T-cell immunodeficiency, congenital alopecia, and nail dystrophy. Also called: Congenital alopecia and nail dystrophy associated with severe functional T-cell immunodeficiency; Pignata Guarino syndrome. Identifiers: Orphanet 169095, MedGen C1866426, MONDO:0011132, OMIM 601705.

Allele frequency attached by ClinVar (database versions not stated): gnomAD 0.00002; TOPMed 0.00002; ExAC 0.00004; gnomAD exomes 0.00004; ESP Exome Variant Server 0.00008.
gnomAD v4.1: 57 of 1,613,580 alleles (0.0035%); highest among the groups gnomAD compares: Admixed American, 0.028%; no homozygotes.

Submissions (3):

Labcorp Genetics (formerly Invitae), Labcorp
Classification: Likely benign for T-cell immunodeficiency, congenital alopecia, and nail dystrophy. Last evaluated: 2025-11-24. Review status: criteria provided, single submitter. Criteria: Invitae Variant Classification Sherloc (09022015). Collection method: clinical testing. Allele origin: germline.

Blueprint Genetics
Classification: Likely benign. Last evaluated: 2020-12-27. Review status: criteria provided, single submitter. Criteria: ACMG Guidelines, 2015. Collection method: clinical testing. Allele origin: germline.

PreventionGenetics, part of Exact Sciences
Classification: Likely benign for FOXN1-related condition. Last evaluated: 2019-08-29. Review status: no assertion criteria provided. Collection method: clinical testing. Allele origin: germline. Not counted in ClinVar's aggregate classification.
Comment: This variant is classified as likely benign based on ACMG/AMP sequence variant interpretation guidelines (Richards et al. 2015 PMID: 25741868, with internal and published modifications).